The following is an entry in ClinVar:

ClinVar aggregate classification (germline): Uncertain significance (1 of 4 stars; one submission).

Submission:

Labcorp Genetics (formerly Invitae), Labcorp
Classification: Uncertain significance. Last evaluated: 2022-09-06. Review status: criteria provided, single submitter. Criteria: Invitae Variant Classification Sherloc (09022015). Collection method: clinical testing. Allele origin: germline.
Comment: This variant is not present in population databases (gnomAD no frequency). This sequence change replaces alanine, which is neutral and non-polar, with threonine, which is neutral and polar, at codon 395 of the ABCC6 protein (p.Ala395Thr). This variant has not been reported in the literature in individuals affected with ABCC6-related conditions. In summary, the available evidence is currently insufficient to determine the role of this variant in disease. Therefore, it has been classified as a Variant of Uncertain Significance. Advanced modeling of protein sequence and biophysical properties (such as structural, functional, and spatial information, amino acid conservation, physicochemical variation, residue mobility, and thermodynamic stability) performed at Invitae indicates that this missense variant is not expected to disrupt ABCC6 protein function.

NM_001171.6(ABCC6):c.1183G>A (p.Ala395Thr)

Gene: ABCC6 (ATP binding cassette subfamily C member 6; minus strand). Cytogenetic location: 16p13.11.
Variant type: single nucleotide variant.
Coding change: c.1183G>A on transcript NM_001171.6 (MANE Select); coding-DNA position 1183, G replaced by A.
Protein change: p.Ala395Thr; replaces alanine 395 with threonine.
Molecular consequence: missense variant. On other transcripts: non-coding transcript variant (1).
Genome position (GRCh38, 1-based): chr16:16,198,176, C>T on the plus strand (G>A on the coding strand, the complement: ABCC6 is on the minus strand). VCF-style: chr16-16198176-C-T. GRCh37 (hg19) VCF-style: chr16-16292033-C-T.
Other names: c.841G>A, p.Ala281Thr (NM_001351800.1); short protein forms A395T, A281T.
Identifiers: ClinVar variation 2105409 (VCV002105409.4), dbSNP rs2511036771, ClinGen allele CA394890450.
Genomic context (GRCh38, chr16:16,198,176, plus strand): 5'-CGGACACCAGATTGACCACATCACCCACCGCACTGGCCTTTCTGGAGCCGCTGGACAGAG[C>T]CAGGACCTGGCGGGTGGGCAGAAGGAGAGAAGTAAAGTGGGGAGGCCGGGGCAGAGGGAT-3'
Protein context (NP_001162.5, residues 385-405): ITGLVYRKVL[Ala395Thr]LSSGSRKASA